The following is an entry in ClinVar:

ClinVar aggregate classification (germline): Benign/Likely benign. Review status: criteria provided, multiple submitters, no conflicts (2 of 4 stars). 2 submissions from 2 submitters: Benign (1); Likely benign (1). Last evaluated 2024-03-28.

Conditions:
Hereditary cancer-predisposing syndrome. Also called: Neoplastic Syndromes, Hereditary; Tumor predisposition; Hereditary neoplastic syndrome; Hereditary Cancer Syndrome. Identifiers: Orphanet 140162, MedGen C0027672, MeSH D009386, MONDO:0015356.
Familial adenomatous polyposis 1 (FAP1). Also called: POLYPOSIS, ADENOMATOUS INTESTINAL; FAMILIAL ADENOMATOUS POLYPOSIS 1, ATTENUATED. Identifiers: MedGen C2713442, MONDO:0021056, OMIM 175100. Disease mechanism: loss of function.

Submissions (2):

Myriad Genetics, Inc.
Classification: Benign for Familial adenomatous polyposis 1. Last evaluated: 2024-03-28. Review status: criteria provided, single submitter. Criteria: Myriad Autosomal Dominant, Autosomal Recessive and X-Linked Classification Criteria (2023). Collection method: clinical testing. Allele origin: unknown.
Comment: This variant is considered benign. This variant is a silent/synonymous amino acid change and it is not expected to impact splicing.

Color Diagnostics, LLC DBA Color Health
Classification: Likely benign for Hereditary cancer-predisposing syndrome. Last evaluated: 2022-11-06. Review status: criteria provided, single submitter. Criteria: ACMG Guidelines, 2015. Collection method: clinical testing. Allele origin: germline.

NM_000038.6(APC):c.4977T>C (p.Asp1659=)

Gene: APC (APC regulator of Wnt signaling pathway; plus strand). Cytogenetic location: 5q22.2.
Variant type: single nucleotide variant.
Coding change: c.4977T>C on transcript NM_000038.6 (MANE Select); coding-DNA position 4977, T replaced by C.
Protein change: p.Asp1659=; no amino-acid change (aspartic acid 1659 retained).
Molecular consequence: synonymous variant. On other transcripts: non-coding transcript variant (2).
Genome position (GRCh38, 1-based): chr5:112,840,571, T>C. VCF-style: chr5-112840571-T-C. GRCh37 (hg19) VCF-style: chr5-112176268-T-C.
Other names: c.4977T>C, p.Asp1659= (NM_001127510.3, NM_001354895.2, NM_001407450.1); c.4923T>C, p.Asp1641= (NM_001127511.3); c.5031T>C, p.Asp1677= (NM_001354896.2, NM_001407447.1, NM_001407448.1 and 1 more transcripts); c.5007T>C, p.Asp1669= (NM_001354897.2); c.4902T>C, p.Asp1634= (NM_001354898.2); c.4893T>C, p.Asp1631= (NM_001354899.2); c.4854T>C, p.Asp1618= (NM_001354900.2); c.4800T>C, p.Asp1600= (NM_001354901.2, NM_001407453.1); and 11 more.
Identifiers: ClinVar variation 3148002 (VCV003148002.2), dbSNP rs2149929011, ClinGen allele CA446208735.